The following is an entry in ClinVar:

ClinVar aggregate classification (germline): Uncertain significance (1 of 4 stars; one submission).

Conditions:
Tuberous sclerosis 2 (TSC2). Identifiers: Orphanet 805, MedGen C1860707, MONDO:0013199, OMIM 613254.

Submission:

Labcorp Genetics (formerly Invitae), Labcorp
Classification: Uncertain significance for Tuberous sclerosis 2. Last evaluated: 2024-04-09. Review status: criteria provided, single submitter. Criteria: Invitae Variant Classification Sherloc (09022015). Collection method: clinical testing. Allele origin: germline.
Comment: This sequence change replaces leucine, which is neutral and non-polar, with proline, which is neutral and non-polar, at codon 1410 of the TSC2 protein (p.Leu1410Pro). This variant is not present in population databases (gnomAD no frequency). This variant has not been reported in the literature in individuals affected with TSC2-related conditions. Advanced modeling of protein sequence and biophysical properties (such as structural, functional, and spatial information, amino acid conservation, physicochemical variation, residue mobility, and thermodynamic stability) performed at Invitae indicates that this missense variant is not expected to disrupt TSC2 protein function with a negative predictive value of 95%. In summary, the available evidence is currently insufficient to determine the role of this variant in disease. Therefore, it has been classified as a Variant of Uncertain Significance.

NM_000548.5(TSC2):c.4229T>C (p.Leu1410Pro)

Gene: TSC2 (TSC complex subunit 2; plus strand). Cytogenetic location: 16p13.3.
Variant type: single nucleotide variant.
Coding change: c.4229T>C on transcript NM_000548.5 (MANE Select); coding-DNA position 4229, T replaced by C.
Protein change: p.Leu1410Pro; replaces leucine 1410 with proline.
Molecular consequence: missense variant. On other transcripts: non-coding transcript variant (5).
Genome position (GRCh38, 1-based): chr16:2,084,451, T>C. VCF-style: chr16-2084451-T-C. GRCh37 (hg19) VCF-style: chr16-2134452-T-C.
Other names: c.4028T>C, p.Leu1343Pro (NM_001077183.3); c.4160T>C, p.Leu1387Pro (NM_001114382.3); c.3920T>C, p.Leu1307Pro (NM_001318827.2); c.3884T>C, p.Leu1295Pro (NM_001318829.2); c.3497T>C, p.Leu1166Pro (NM_001318831.2); c.4061T>C, p.Leu1354Pro (NM_001318832.2); c.4031T>C, p.Leu1344Pro (NM_001363528.2); c.4097T>C, p.Leu1366Pro (NM_001370404.1); and 26 more; short protein forms L1187P, L1190P, L1306P, L1340P, L1344P, L1350P, L1166P, L1186P.
Identifiers: ClinVar variation 3637236 (VCV003637236.2).
Genomic context (GRCh38, chr16:2,084,451, plus strand): 5'-AGCTGCAGACTCTGCAGGACATCCTCGGGGACCCTGGGGACAAGGCCGACGTGGGCCGGC[T>C]GAGCCCTGAGGTTAAGGCCCGGTCACAGTCAGGGACCCTGGACGGGGAAAGTGCTGCCTG-3'
Protein context (NP_000539.2, residues 1400-1420): DPGDKADVGR[Leu1410Pro]SPEVKARSQS